The following is an entry in ClinVar:

ClinVar aggregate classification (germline): Uncertain significance (1 of 4 stars; one submission).

Conditions:
Noonan syndrome 9 (NS9). Identifiers: Orphanet 648, MedGen C4225282, MONDO:0014691, OMIM 616559.

Submission:

Labcorp Genetics (formerly Invitae), Labcorp
Classification: Uncertain significance for Noonan syndrome 9. Last evaluated: 2025-08-17. Review status: criteria provided, single submitter. Criteria: Invitae Variant Classification Sherloc (09022015). Collection method: clinical testing. Allele origin: germline.
Comment: This sequence change replaces tyrosine, which is neutral and polar, with serine, which is neutral and polar, at codon 46 of the SOS2 protein (p.Tyr46Ser). This variant is not present in population databases (gnomAD no frequency). This variant has not been reported in the literature in individuals affected with SOS2-related conditions. ClinVar contains an entry for this variant (Variation ID: 1517372). Invitae Evidence Modeling of protein sequence and biophysical properties (such as structural, functional, and spatial information, amino acid conservation, physicochemical variation, residue mobility, and thermodynamic stability) indicates that this missense variant is not expected to disrupt SOS2 protein function with a negative predictive value of 95%. In summary, the available evidence is currently insufficient to determine the role of this variant in disease. Therefore, it has been classified as a Variant of Uncertain Significance.

NM_006939.4(SOS2):c.137A>C (p.Tyr46Ser)

Gene: SOS2 (SOS Ras/Rho guanine nucleotide exchange factor 2; minus strand). Cytogenetic location: 14q21.3.
Variant type: single nucleotide variant.
Coding change: c.137A>C on transcript NM_006939.4 (MANE Select); coding-DNA position 137, A replaced by C.
Protein change: p.Tyr46Ser; replaces tyrosine 46 with serine.
Molecular consequence: missense variant.
Genome position (GRCh38, 1-based): chr14:50,204,360, T>G on the plus strand (A>C on the coding strand, the complement: SOS2 is on the minus strand). VCF-style: chr14-50204360-T-G. GRCh37 (hg19) VCF-style: chr14-50671078-T-G.
Other names: short protein forms Y46S.
Identifiers: ClinVar variation 1517372 (VCV001517372.8), dbSNP rs1162838729, ClinGen allele CA389651335.